The following is an entry in ClinVar:

ClinVar aggregate classification (germline): Uncertain significance. Review status: criteria provided, single submitter (1 of 4 stars). 2 submissions from 2 submitters: Uncertain significance (1). 1 of the submissions does not count toward it. Last evaluated 2022-06-23.

Conditions:
Neuronal ceroid lipofuscinosis 2. Also called: JANSKY-BIELSCHOWSKY DISEASE NEURONAL CEROID LIPOFUSCINOSIS, LATE INFANTILE; TPP1-Related Neuronal Ceroid-Lipofuscinosis. Identifiers: Orphanet 168491, Orphanet 228349, Orphanet 79264, MedGen C1876161, MONDO:0008769, OMIM 204500.

Allele frequency attached by ClinVar (database versions not stated): gnomAD 0.00001; gnomAD exomes 0.00001 and 0.00003; ExAC 0.00002; TOPMed 0.00003.
gnomAD v4.1: 41 of 1,613,948 alleles (0.0025%); highest among the groups gnomAD compares: East Asian, 0.0067%; no homozygotes.

Submissions (2):

Labcorp Genetics (formerly Invitae), Labcorp
Classification: Uncertain significance. Last evaluated: 2022-06-23. Review status: criteria provided, single submitter. Criteria: Invitae Variant Classification Sherloc (09022015). Collection method: clinical testing. Allele origin: germline.
Comment: This sequence change replaces arginine, which is basic and polar, with tryptophan, which is neutral and slightly polar, at codon 268 of the TPP1 protein (p.Arg268Trp). This variant is present in population databases (rs778410642, gnomAD 0.003%). This variant has not been reported in the literature in individuals affected with TPP1-related conditions. ClinVar contains an entry for this variant (Variation ID: 1005567). Advanced modeling of protein sequence and biophysical properties (such as structural, functional, and spatial information, amino acid conservation, physicochemical variation, residue mobility, and thermodynamic stability) performed at Invitae indicates that this missense variant is not expected to disrupt TPP1 protein function. Algorithms developed to predict the effect of sequence changes on RNA splicing suggest that this variant may disrupt the consensus splice site. In summary, the available evidence is currently insufficient to determine the role of this variant in disease. Therefore, it has been classified as a Variant of Uncertain Significance.

Natera, Inc.
Classification: Uncertain significance for Neuronal ceroid lipofuscinosis 2. Last evaluated: 2020-11-19. Review status: no assertion criteria provided. Collection method: clinical testing. Allele origin: germline. Not counted in ClinVar's aggregate classification.

NM_000391.4(TPP1):c.802C>T (p.Arg268Trp)

Gene: TPP1 (tripeptidyl peptidase 1; minus strand). Cytogenetic location: 11p15.4.
Variant type: single nucleotide variant.
Coding change: c.802C>T on transcript NM_000391.4 (MANE Select); coding-DNA position 802, C replaced by T.
Protein change: p.Arg268Trp; replaces arginine 268 with tryptophan.
Molecular consequence: missense variant.
Genome position (GRCh38, 1-based): chr11:6,616,745, G>A on the plus strand (C>T on the coding strand, the complement: TPP1 is on the minus strand). VCF-style: chr11-6616745-G-A. GRCh37 (hg19) VCF-style: chr11-6637976-G-A.
Other names: short protein forms R268W.
Identifiers: ClinVar variation 1005567 (VCV001005567.3), dbSNP rs778410642, ClinGen allele CA5858835.